The following is an entry in ClinVar:

ClinVar aggregate classification (germline): Uncertain significance (1 of 4 stars; one submission).

Submission:

Labcorp Genetics (formerly Invitae), Labcorp
Classification: Uncertain significance. Last evaluated: 2021-08-05. Review status: criteria provided, single submitter. Criteria: Invitae Variant Classification Sherloc (09022015). Collection method: clinical testing. Allele origin: germline.
Comment: This variant is not present in population databases (ExAC no frequency). This sequence change falls in intron 2 of the RAB18 gene. It does not directly change the encoded amino acid sequence of the RAB18 protein. It affects a nucleotide within the consensus splice site of the intron. This variant has not been reported in the literature in individuals affected with RAB18-related conditions. In summary, the available evidence is currently insufficient to determine the role of this variant in disease. Therefore, it has been classified as a Variant of Uncertain Significance. Variants that disrupt the consensus splice site are a relatively common cause of aberrant splicing (PMID: 17576681, 9536098). Algorithms developed to predict the effect of sequence changes on RNA splicing suggest that this variant is not likely to affect RNA splicing.

Literature cited by the submitters: PubMed 17576681; PubMed 9536098.

NM_021252.5(RAB18):c.124+6C>T

Gene: RAB18 (RAB18, member RAS oncogene family; plus strand). Cytogenetic location: 10p12.1.
Variant type: single nucleotide variant.
Coding change: c.124+6C>T on transcript NM_021252.5 (MANE Select); 6 bases into the intron after coding-DNA position 124, C replaced by T.
Molecular consequence: intron variant.
Genome position (GRCh38, 1-based): chr10:27,509,936, C>T. VCF-style: chr10-27509936-C-T. GRCh37 (hg19) VCF-style: chr10-27798865-C-T.
Other names: c.124+6C>T (NM_001256410.2, NM_001256411.2, NM_001256412.2).
Identifiers: ClinVar variation 1354557 (VCV001354557.6), dbSNP rs1834293132, ClinGen allele CA926173493.